The following is an entry in ClinVar:

NM_001006658.3(CR2):c.2723T>C (p.Ile908Thr)

Gene: CR2 (complement C3d receptor 2; plus strand). Cytogenetic location: 1q32.2.
Variant type: single nucleotide variant.
Coding change: c.2723T>C on transcript NM_001006658.3 (MANE Select); coding-DNA position 2723, T replaced by C.
Protein change: p.Ile908Thr; replaces isoleucine 908 with threonine.
Molecular consequence: missense variant.
Genome position (GRCh38, 1-based): chr1:207,476,240, T>C. VCF-style: chr1-207476240-T-C. GRCh37 (hg19) VCF-style: chr1-207649585-T-C.
Other names: c.2546T>C, p.Ile849Thr (NM_001877.5); short protein forms I849T, I908T.
Identifiers: ClinVar variation 662950 (VCV000662950.28), dbSNP rs138785170, ClinGen allele CA1369051.

ClinVar aggregate classification (germline): Uncertain significance. Review status: criteria provided, multiple submitters, no conflicts (2 of 4 stars). 5 submissions from 5 submitters: Uncertain significance (4). 1 of the submissions does not count toward it. Last evaluated 2024-03-01.

Conditions:
Immunodeficiency, common variable, 7. Identifiers: Orphanet 1572, Orphanet 696894, MedGen C3542922, MONDO:0013862, OMIM 614699.
CR2-related disorder. Also called: CR2-related disorders; CR2-related condition.

Allele frequency attached by ClinVar (database versions not stated): ExAC 0.00012; gnomAD exomes 0.00015; gnomAD 0.00019 and 0.00021; TOPMed 0.00025; ESP Exome Variant Server 0.00038.
gnomAD v4.1: 483 of 1,613,548 alleles (0.03%); highest among the groups gnomAD compares: Non-Finnish European, 0.037%; 1 homozygote.

Submissions (5):

CeGaT Center for Human Genetics Tuebingen
Classification: Uncertain significance. Last evaluated: 2024-03-01. Review status: criteria provided, single submitter. Criteria: CeGaT Center For Human Genetics Tuebingen Variant Classification Criteria Version 2. Collection method: clinical testing. Allele origin: germline. Affected: yes. Observed: 1 variant allele.
Comment: CR2: PM2, BP4

Genome-Nilou Lab
Classification: Uncertain significance for Immunodeficiency, common variable, 7. Last evaluated: 2023-04-11. Review status: criteria provided, single submitter. Criteria: ACMG Guidelines, 2015. Collection method: clinical testing. Allele origin: germline. Affected: no.

Labcorp Genetics (formerly Invitae), Labcorp
Classification: Uncertain significance for Immunodeficiency, common variable, 7. Last evaluated: 2022-07-19. Review status: criteria provided, single submitter. Criteria: Invitae Variant Classification Sherloc (09022015). Collection method: clinical testing. Allele origin: germline.
Comment: This sequence change replaces isoleucine, which is neutral and non-polar, with threonine, which is neutral and polar, at codon 908 of the CR2 protein (p.Ile908Thr). This variant is present in population databases (rs138785170, gnomAD 0.03%). This variant has not been reported in the literature in individuals affected with CR2-related conditions. ClinVar contains an entry for this variant (Variation ID: 662950). Algorithms developed to predict the effect of missense changes on protein structure and function output the following: SIFT: "Deleterious"; PolyPhen-2: "Benign"; Align-GVGD: "Class C0". The threonine amino acid residue is found in multiple mammalian species, which suggests that this missense change does not adversely affect protein function. Algorithms developed to predict the effect of sequence changes on RNA splicing suggest that this variant may create or strengthen a splice site. In summary, the available evidence is currently insufficient to determine the role of this variant in disease. Therefore, it has been classified as a Variant of Uncertain Significance.

Baylor Genetics
Classification: Uncertain significance for Immunodeficiency, common variable, 7. Last evaluated: 2021-01-06. Review status: criteria provided, single submitter. Criteria: ACMG Guidelines, 2015. Collection method: clinical testing. Allele origin: unknown.

PreventionGenetics, part of Exact Sciences
Classification: Uncertain significance for CR2-related condition. Last evaluated: 2024-06-06. Review status: no assertion criteria provided. Collection method: clinical testing. Allele origin: germline. Not counted in ClinVar's aggregate classification.
Comment: The CR2 c.2723T>C variant is predicted to result in the amino acid substitution p.Ile908Thr. To our knowledge, this variant has not been reported in the literature. This variant is reported in 0.031% of alleles in individuals of Latino descent in gnomAD. At this time, the clinical significance of this variant is uncertain due to the absence of conclusive functional and genetic evidence.